The following is an entry in ClinVar:

NM_023067.4(FOXL2):c.675G>T (p.Ala225=)

Gene: FOXL2 (forkhead box L2; minus strand). Cytogenetic location: 3q22.3.
Variant type: single nucleotide variant.
Coding change: c.675G>T on transcript NM_023067.4 (MANE Select); coding-DNA position 675, G replaced by T.
Protein change: p.Ala225=; no amino-acid change (alanine 225 retained).
Molecular consequence: synonymous variant.
Genome position (GRCh38, 1-based): chr3:138,946,048, C>A on the plus strand (G>T on the coding strand, the complement: FOXL2 is on the minus strand). VCF-style: chr3-138946048-C-A. GRCh37 (hg19) VCF-style: chr3-138664890-C-A.
Identifiers: ClinVar variation 4280869 (VCV004280869.7).

ClinVar aggregate classification (germline): Likely benign (1 of 4 stars; one submission).

Submission:

CeGaT Center for Human Genetics Tuebingen
Classification: Likely benign. Last evaluated: 2025-09-01. Review status: criteria provided, single submitter. Criteria: CeGaT Center For Human Genetics Tuebingen Variant Classification Criteria Version 2. Collection method: clinical testing. Allele origin: germline. Affected: yes. Observed: 1 variant allele.
Comment: FOXL2: PM2:Supporting, BP4, BP7